The following is an entry in ClinVar:

ClinVar aggregate classification (germline): Likely benign. Review status: criteria provided, multiple submitters, no conflicts (2 of 4 stars). 3 submissions from 3 submitters: Likely benign (2). 1 of the submissions does not count toward it. Last evaluated 2026-01-13.

Conditions:
SGSH-related disorder. Also called: SGSH-related condition.
Mucopolysaccharidosis, MPS-III-A (MPS3A). Also called: MPS III A; MUCOPOLYSACCHARIDOSIS, TYPE IIIA, ATTENUATED; Mucopolysaccharidosis type IIIA (Sanfilippo A); Mucopolysaccharidosis, type IIIA; HEPARAN SULFATE SULFATASE DEFICIENCY; mucopolysaccharidosis type 3A. Identifiers: Orphanet 581, Orphanet 79269, MedGen C0086647, MONDO:0009655, OMIM 252900.

Allele frequency attached by ClinVar (database versions not stated): gnomAD exomes 0.00002; TOPMed 0.00002; ExAC 0.00003; gnomAD 0.00005.

Submissions (3):

Labcorp Genetics (formerly Invitae), Labcorp
Classification: Likely benign for Mucopolysaccharidosis, MPS-III-A. Last evaluated: 2026-01-13. Review status: criteria provided, single submitter. Criteria: Invitae Variant Classification Sherloc (09022015). Collection method: clinical testing. Allele origin: germline.

CeGaT Center for Human Genetics Tuebingen
Classification: Likely benign. Last evaluated: 2025-04-01. Review status: criteria provided, single submitter. Criteria: CeGaT Center For Human Genetics Tuebingen Variant Classification Criteria Version 2. Collection method: clinical testing. Allele origin: germline. Affected: yes. Observed: 1 variant allele.
Comment: SGSH: BP4, BP7

PreventionGenetics, part of Exact Sciences
Classification: Likely benign for SGSH-related condition. Last evaluated: 2019-05-31. Review status: no assertion criteria provided. Collection method: clinical testing. Allele origin: germline. Not counted in ClinVar's aggregate classification.
Comment: This variant is classified as likely benign based on ACMG/AMP sequence variant interpretation guidelines (Richards et al. 2015 PMID: 25741868, with internal and published modifications).

NM_000199.5(SGSH):c.1359C>T (p.Thr453=)

Gene: SGSH (N-sulfoglucosamine sulfohydrolase; minus strand). Cytogenetic location: 17q25.3.
Variant type: single nucleotide variant.
Coding change: c.1359C>T on transcript NM_000199.5 (MANE Select); coding-DNA position 1359, C replaced by T.
Protein change: p.Thr453=; no amino-acid change (threonine 453 retained).
Molecular consequence: synonymous variant. On other transcripts: 3 prime UTR variant (2), non-coding transcript variant (1).
Genome position (GRCh38, 1-based): chr17:80,210,602, G>A on the plus strand (C>T on the coding strand, the complement: SGSH is on the minus strand). VCF-style: chr17-80210602-G-A. GRCh37 (hg19) VCF-style: chr17-78184401-G-A.
Other names: c.1359C>T (NM_000199.3); c.*446C>T (NM_001352921.3); c.*409C>T (NM_001352922.2).
Identifiers: ClinVar variation 1129222 (VCV001129222.21), dbSNP rs751980056, ClinGen allele CA8817599.